The following is an entry in ClinVar:

NM_020922.5(WNK3):c.3563A>G (p.Asn1188Ser)

Gene: WNK3 (WNK lysine deficient protein kinase 3; minus strand). Cytogenetic location: Xp11.22.
Variant type: single nucleotide variant.
Coding change: c.3563A>G on transcript NM_020922.5 (MANE Select); coding-DNA position 3563, A replaced by G.
Protein change: p.Asn1188Ser; replaces asparagine 1188 with serine.
Molecular consequence: missense variant.
Genome position (GRCh38, 1-based): chrX:54,248,785, T>C on the plus strand (A>G on the coding strand, the complement: WNK3 is on the minus strand). VCF-style: chrX-54248785-T-C. GRCh37 (hg19) VCF-style: chrX-54275218-T-C.
Other names: c.3563A>G, p.Asn1188Ser (NM_001002838.4, NM_001395166.1); short protein forms N1188S.
Identifiers: ClinVar variation 5018107 (VCV005018107.1).

ClinVar aggregate classification (germline): Uncertain significance (1 of 4 stars; one submission).

gnomAD v4.1: 13 of 1,210,335 alleles (0.0011%); highest among the groups gnomAD compares: Non-Finnish European, 0.0011%; no homozygotes.

Submission:

GeneDx
Classification: Uncertain significance. Last evaluated: 2026-04-01. Review status: criteria provided, single submitter. Criteria: GeneDx Variant Classification Process June 2021. Collection method: clinical testing. Allele origin: germline.
Comment: In silico analysis suggests that this missense variant does not alter protein structure/function; Has not been previously published as pathogenic or benign to our knowledge